The following is an entry in ClinVar:

NM_020884.7(MYH7B):c.140C>T (p.Ala47Val)

Gene: MYH7B (myosin heavy chain 7B; plus strand). Cytogenetic location: 20q11.22.
Variant type: single nucleotide variant.
Coding change: c.140C>T on transcript NM_020884.7 (MANE Select); coding-DNA position 140, C replaced by T.
Protein change: p.Ala47Val; replaces alanine 47 with valine.
Molecular consequence: missense variant.
Genome position (GRCh38, 1-based): chr20:34,979,438, C>T. VCF-style: chr20-34979438-C-T. GRCh37 (hg19) VCF-style: chr20-33567241-C-T.
Other names: c.266C>T (NM_020884.4, NM_020884.3); short protein forms A47V.
Identifiers: ClinVar variation 2714731 (VCV002714731.5), dbSNP rs779473720, ClinGen allele CA9826319.
Genomic context (GRCh38, chr20:34,979,438, plus strand): 5'-TCTGCAACCCAGGGAAGAAGCGAGTCTGGGTGCCTGATGAACAGGACGCCTACGTGGAGG[C>T]CGAGGTCAAGTCGGAGGCTACCGGGGGCAGAGTCACCGTGGAGACCAAAGACCAGAAGGT-3'
Protein context (NP_065935.4, residues 37-57): VPDEQDAYVE[Ala47Val]EVKSEATGGR

ClinVar aggregate classification (germline): Uncertain significance. Review status: criteria provided, multiple submitters, no conflicts (2 of 4 stars). 3 submissions from 3 submitters: Uncertain significance (3). Last evaluated 2025-12-23.

Conditions:
MYH7B-related disorder. Also called: MYH7B-related condition.

gnomAD v4.1: 19 of 1,613,838 alleles (0.0012%); highest among the groups gnomAD compares: East Asian, 0.042%; no homozygotes.

Submissions (3):

PreventionGenetics, part of Exact Sciences
Classification: Uncertain significance for MYH7B-related condition. Last evaluated: 2025-12-23. Review status: criteria provided, single submitter. Criteria: ACMG Guidelines, 2015. Collection method: clinical testing. Allele origin: germline.
Comment: The MYH7B c.266C>T variant is predicted to result in the amino acid substitution p.Ala89Val. To our knowledge, this variant has not been reported in the literature. This variant is reported in 0.12% of alleles in individuals of East Asian descent in gnomAD. Although we suspect that this variant may be benign, at this time, the clinical significance of this variant is uncertain due to the absence of conclusive functional and genetic evidence.

Ambry Genetics
Classification: Uncertain significance. Last evaluated: 2025-05-25. Review status: criteria provided, single submitter. Criteria: Ambry Variant Classification Scheme 2023. Collection method: clinical testing. Allele origin: germline.

Labcorp Genetics (formerly Invitae), Labcorp
Classification: Uncertain significance. Last evaluated: 2024-01-26. Review status: criteria provided, single submitter. Criteria: Invitae Variant Classification Sherloc (09022015). Collection method: clinical testing. Allele origin: germline.
Comment: This sequence change replaces alanine, which is neutral and non-polar, with valine, which is neutral and non-polar, at codon 89 of the MYH7B protein (p.Ala89Val). This variant is present in population databases (rs779473720, gnomAD 0.1%), and has an allele count higher than expected for a pathogenic variant. This variant has not been reported in the literature in individuals affected with MYH7B-related conditions. Advanced modeling of protein sequence and biophysical properties (such as structural, functional, and spatial information, amino acid conservation, physicochemical variation, residue mobility, and thermodynamic stability) performed at Invitae indicates that this missense variant is not expected to disrupt MYH7B protein function with a negative predictive value of 80%. In summary, the available evidence is currently insufficient to determine the role of this variant in disease. Therefore, it has been classified as a Variant of Uncertain Significance.